The following is an entry in ClinVar:

ClinVar aggregate classification (germline): Uncertain significance (1 of 4 stars; one submission).

Conditions:
Arrhythmogenic right ventricular dysplasia 8 (ARVD8). Also called: ARRHYTHMOGENIC RIGHT VENTRICULAR DYSPLASIA, FAMILIAL, 8; ARRHYTHMOGENIC RIGHT VENTRICULAR CARDIOMYOPATHY 8; Arrhythmogenic Right Ventricular Dysplasia/Cardiomyopathy 8. Identifiers: MedGen C1843896, MONDO:0011831, OMIM 607450.

Submission:

New York Genome Center
Classification: Uncertain significance for Arrhythmogenic right ventricular dysplasia 8. Last evaluated: 2022-10-13. Review status: criteria provided, single submitter. Criteria: NYGC Assertion Criteria 2020. Collection method: clinical testing. Allele origin: germline. Observed: 1 heterozygote.
Comment: The c.3667G>A p.(Glu1223Lys) variant in the DSP gene has not previously been reported in the literature or public variant repositories (ClinVar and LOVD), and is absent from population databases (gnomAD v2.1.1 and v3.1.2, TOPMed Freeze 8), suggesting it is not a common benign variant in the populations represented in those databases. The c.3667G>A variant in DSP is located in exon 23 of this 24-exon gene, and predicted to replace an evolutionarily conserved glutamic acid amino acid with lysine at position 1223 in the central fibrous rod domain of the encoded protein. In silico predictions are not in favor ofdamaging effect for p.(Glu1223Lys) [(CADD v1.6 = 22.1, REVEL = 0.205)]; however, there are no functional studies to support or refute these predictions. Based on available evidence this c.3667G>A p.(Glu1223Lys) variant identified in DSP is classified as Variant of Uncertain Significance.

NM_004415.4(DSP):c.3667G>A (p.Glu1223Lys)

Gene: DSP (desmoplakin; plus strand). Cytogenetic location: 6p24.3.
Variant type: single nucleotide variant.
Coding change: c.3667G>A on transcript NM_004415.4 (MANE Select); coding-DNA position 3667, G replaced by A.
Protein change: p.Glu1223Lys; replaces glutamic acid 1223 with lysine.
Molecular consequence: missense variant. On other transcripts: intron variant (1).
Genome position (GRCh38, 1-based): chr6:7,579,857, G>A. VCF-style: chr6-7579857-G-A. GRCh37 (hg19) VCF-style: chr6-7580090-G-A.
Other names: c.3667G>A, p.Glu1223Lys (NM_001319034.2); c.3582+85G>A (NM_001008844.3); short protein forms E1223K.
Identifiers: ClinVar variation 2584570 (VCV002584570.1), dbSNP rs2533925154, ClinGen allele CA362684583.